The following is an entry in ClinVar:

ClinVar aggregate classification (germline): Uncertain significance (1 of 4 stars; one submission).

Conditions:
Inborn genetic diseases. Identifiers: MedGen C0950123, MeSH D030342.

Submission:

Ambry Genetics
Classification: Uncertain significance for Inborn genetic diseases. Last evaluated: 2024-11-30. Review status: criteria provided, single submitter. Criteria: Ambry Variant Classification Scheme 2023. Collection method: clinical testing. Allele origin: germline.
Comment: The p.S705T variant (also known as c.2114G>C), located in coding exon 12 of the BMPR2 gene, results from a G to C substitution at nucleotide position 2114. The serine at codon 705 is replaced by threonine, an amino acid with similar properties. This amino acid position is conserved. In addition, the in silico prediction for this alteration is inconclusive. Based on the available evidence, the clinical significance of this variant remains unclear.

NM_001204.7(BMPR2):c.2114G>C (p.Ser705Thr)

Gene: BMPR2 (bone morphogenetic protein receptor type 2; plus strand). Cytogenetic location: 2q33.2.
Variant type: single nucleotide variant.
Coding change: c.2114G>C on transcript NM_001204.7 (MANE Select); coding-DNA position 2114, G replaced by C.
Protein change: p.Ser705Thr; replaces serine 705 with threonine.
Molecular consequence: missense variant.
Genome position (GRCh38, 1-based): chr2:202,555,779, G>C. VCF-style: chr2-202555779-G-C. GRCh37 (hg19) VCF-style: chr2-203420502-G-C.
Other names: short protein forms S705T.
Identifiers: ClinVar variation 3481323 (VCV003481323.1).